The following is an entry in ClinVar:

NM_001276270.2(MBD4):c.2T>C (p.Met1Thr)

Genes: MBD4 (methyl-CpG binding domain 4, DNA glycosylase; minus strand), LOC129937550 (ATAC-STARR-seq lymphoblastoid active region 20512; plus strand). Cytogenetic location: 3q21.3.
Variant type: single nucleotide variant.
Coding change: c.2T>C on transcript NM_001276270.2 (MANE Select); coding-DNA position 2, T replaced by C.
Protein change: p.Met1Thr; changes the start codon (methionine 1).
Molecular consequence: missense variant, initiator codon variant.
Genome position (GRCh38, 1-based): chr3:129,439,832, A>G on the plus strand (T>C on the coding strand, the complement: MBD4 is on the minus strand). VCF-style: chr3-129439832-A-G. GRCh37 (hg19) VCF-style: chr3-129158675-A-G.
Other names: c.2T>C, p.Met1Thr (NM_001276271.2, NM_001276272.2, NM_001276273.2 and 1 more transcripts); short protein forms M1T.
Identifiers: ClinVar variation 4763797 (VCV004763797.2).

ClinVar aggregate classification (germline): Conflicting classifications of pathogenicity. Review status: criteria provided, conflicting classifications (1 of 4 stars). 2 submissions from 2 submitters: Likely pathogenic (1); Uncertain significance (1). Last evaluated 2026-03-05.

Conditions:
Inborn genetic diseases. Identifiers: MedGen C0950123, MeSH D030342.

Submissions (2):

Ambry Genetics
Classification: Likely pathogenic for Inborn genetic diseases. Last evaluated: 2026-03-05. Review status: criteria provided, single submitter. Criteria: Ambry Variant Classification Scheme 2023. Collection method: clinical testing. Allele origin: germline.
Comment: The p.M1? variant (also known as c.2T>C) is located in coding exon 1 of the MBD4 gene and results from a T to C substitution at nucleotide position 2. This alters the methionine residue at the initiation codon (ATG). This variant is considered to be rare based on population cohorts in the Genome Aggregation Database (gnomAD). Sequence variations that modify the initiation codon are expected to result in either loss of translation initiation, N-terminal truncation, or cause a shift in the mRNA reading frame. Based on the majority of available evidence to date, this variant is likely to be pathogenic.

Labcorp Genetics (formerly Invitae), Labcorp
Classification: Uncertain significance. Last evaluated: 2025-12-23. Review status: criteria provided, single submitter. Criteria: Invitae Variant Classification Sherloc (09022015). Collection method: clinical testing. Allele origin: germline.
Comment: This sequence change affects the initiator codon of the MBD4 mRNA. This change may impact translation initiation or efficiency. The next in-frame methionine is located at codon 41. This variant is not present in population databases (gnomAD no frequency). This variant has not been reported in the literature in individuals affected with MBD4-related conditions. Experimental studies and prediction algorithms are not available or were not evaluated, and the functional significance of this variant is currently unknown. In summary, the available evidence is currently insufficient to determine the role of this variant in disease. Therefore, it has been classified as a Variant of Uncertain Significance.